The following is an entry in ClinVar:

ClinVar aggregate classification (germline): Uncertain significance. Review status: criteria provided, multiple submitters, no conflicts (2 of 4 stars). 2 submissions from 2 submitters: Uncertain significance (2). Last evaluated 2023-07-06.

Conditions:
Hereditary cancer-predisposing syndrome. Also called: Neoplastic Syndromes, Hereditary; Hereditary Cancer Syndrome; Hereditary neoplastic syndrome; Tumor predisposition. Identifiers: Orphanet 140162, MedGen C0027672, MeSH D009386, MONDO:0015356.
Retinoblastoma (RB1). Also called: RETINOBLASTOMA, SOMATIC. Identifiers: Orphanet 790, MedGen C0035335, MeSH D012175, MONDO:0008380, OMIM 180200, HP:0009919. Disease mechanism: loss of function. Inheritance: Both sporadic and heritable forms are tested..

Submissions (2):

Ambry Genetics
Classification: Uncertain significance for Hereditary cancer-predisposing syndrome. Last evaluated: 2023-07-06. Review status: criteria provided, single submitter. Criteria: Ambry Variant Classification Scheme 2023. Collection method: clinical testing. Allele origin: germline.
Comment: The p.K8E variant (also known as c.22A>G), located in coding exon 1 of the RB1 gene, results from an A to G substitution at nucleotide position 22. The lysine at codon 8 is replaced by glutamic acid, an amino acid with similar properties. This amino acid position is poorly conserved in available vertebrate species. In addition, the in silico prediction for this alteration is inconclusive. Since supporting evidence is limited at this time, the clinical significance of this alteration remains unclear.

Labcorp Genetics (formerly Invitae), Labcorp
Classification: Uncertain significance for Retinoblastoma. Last evaluated: 2022-03-09. Review status: criteria provided, single submitter. Criteria: Invitae Variant Classification Sherloc (09022015). Collection method: clinical testing. Allele origin: germline.
Comment: This variant has not been reported in the literature in individuals affected with RB1-related conditions. This sequence change replaces lysine, which is basic and polar, with glutamic acid, which is acidic and polar, at codon 8 of the RB1 protein (p.Lys8Glu). This variant is not present in population databases (gnomAD no frequency). Algorithms developed to predict the effect of missense changes on protein structure and function are either unavailable or do not agree on the potential impact of this missense change (SIFT: "Deleterious"; PolyPhen-2: "Not Available"; Align-GVGD: "Class C0"). In summary, the available evidence is currently insufficient to determine the role of this variant in disease. Therefore, it has been classified as a Variant of Uncertain Significance.

NM_000321.3(RB1):c.22A>G (p.Lys8Glu)

Gene: RB1 (RB transcriptional corepressor 1; plus strand). Cytogenetic location: 13q14.2.
Variant type: single nucleotide variant.
Coding change: c.22A>G on transcript NM_000321.3 (MANE Select); coding-DNA position 22, A replaced by G.
Protein change: p.Lys8Glu; replaces lysine 8 with glutamic acid.
Molecular consequence: missense variant.
Genome position (GRCh38, 1-based): chr13:48,303,934, A>G. VCF-style: chr13-48303934-A-G. GRCh37 (hg19) VCF-style: chr13-48878070-A-G.
Other names: c.22A>G, p.Lys8Glu (NM_001407165.1, NM_001407166.1, NM_001407167.1); short protein forms K8E.
Identifiers: ClinVar variation 2107807 (VCV002107807.6), dbSNP rs2542093267, ClinGen allele CA388250170.